The following is an entry in ClinVar:

ClinVar aggregate classification (germline): Uncertain significance. Review status: criteria provided, multiple submitters, no conflicts (2 of 4 stars). 2 submissions from 2 submitters: Uncertain significance (2). Last evaluated 2025-07-22.

Conditions:
Cardiomyopathy (CMYO). Also called: Cardiomyopathies. Identifiers: Orphanet 167848, MedGen C0878544, MONDO:0004994, HP:0001638. Inheritance: Various modes of inheritance.
Hypertrophic cardiomyopathy. Also called: HYPERTROPHIC MYOCARDIOPATHY. Identifiers: Orphanet 217569, MedGen C0007194, MeSH D002312, MONDO:0005045, HP:0001639.

Allele frequency attached by ClinVar (database versions not stated): gnomAD exomes below 0.00001.
gnomAD v4.1: 4 of 1,614,148 alleles (0.00025%); highest among the groups gnomAD compares: Non-Finnish European, 0.00025%; no homozygotes.

Submissions (2):

Color Diagnostics, LLC DBA Color Health
Classification: Uncertain significance for Cardiomyopathy. Last evaluated: 2025-07-22. Review status: criteria provided, single submitter. Criteria: ACMG Guidelines, 2015. Collection method: clinical testing. Allele origin: germline.
Comment: This missense variant replaces alanine with threonine at codon 235 of the TPM1 protein. Computational prediction suggests that this variant may have a deleterious impact on protein structure and function. To our knowledge, functional studies have not been reported for this variant. This variant has been reported in an individual affected with hypertrophic cardiomyopathy (PMID: 38489124). This variant has not been identified in the general population by the Genome Aggregation Database (gnomAD). The available evidence is insufficient to determine the role of this variant in disease conclusively. Therefore, this variant is classified as a Variant of Uncertain Significance.

All of Us Research Program, National Institutes of Health
Classification: Uncertain significance for Hypertrophic cardiomyopathy. Last evaluated: 2023-05-08. Review status: criteria provided, single submitter. Criteria: ACMG Guidelines, 2015. Collection method: clinical testing. Allele origin: germline. Inheritance: Autosomal dominant inheritance. Observed: 1 variant allele, 1 heterozygote.
Comment: This missense variant replaces alanine with threonine at codon 235 of the TPM1 protein. Computational prediction suggests that this variant may have deleterious impact on protein structure and function (internally defined REVEL score threshold >= 0.7, PMID: 27666373). To our knowledge, functional studies have not been reported for this variant. This variant has not been reported in individuals affected with cardiovascular disorders in the literature. This variant has not been identified in the general population by the Genome Aggregation Database (gnomAD). The available evidence is insufficient to determine the role of this variant in disease conclusively. Therefore, this variant is classified as a Variant of Uncertain Significance.

This study involves interpretation of variants in research participants for the purpose of population health screening. Participant phenotype was not available at the time of variant classification. Additional details can be found in publication PMID: 35346344, PMCID: PMC8962531

Literature cited by the submitters: PubMed 38489124 (cited by Color Diagnostics, LLC DBA Color Health).

NM_001018005.2(TPM1):c.703G>A (p.Ala235Thr)

Gene: TPM1 (tropomyosin 1; plus strand). Cytogenetic location: 15q22.2.
Variant type: single nucleotide variant.
Coding change: c.703G>A on transcript NM_001018005.2 (MANE Select); coding-DNA position 703, G replaced by A.
Protein change: p.Ala235Thr; replaces alanine 235 with threonine.
Molecular consequence: missense variant.
Genome position (GRCh38, 1-based): chr15:63,062,576, G>A. VCF-style: chr15-63062576-G-A. GRCh37 (hg19) VCF-style: chr15-63354775-G-A.
Other names: c.703G>A, p.Ala235Thr (NM_000366.6, NM_001018004.2, NM_001018006.2 and 6 more transcripts); c.595G>A, p.Ala199Thr (NM_001018008.2, NM_001301289.2, NM_001330344.2 and 5 more transcripts); c.829G>A, p.Ala277Thr (NM_001365778.1); short protein forms A277T, A199T, A235T.
Identifiers: ClinVar variation 920908 (VCV000920908.5), dbSNP rs2035787414, ClinGen allele CA392724536.
Genomic context (GRCh38, chr15:63,062,576, plus strand): 5'-ATGTTTGTAGCTACAGGAAACATAAAACTTCCCAACTTTAACTCAAATAAATCATTACAG[G>A]CTGAGACTCGGGCTGAGTTTGCGGAGAGGTCAGTAACTAAATTGGAGAAAAGCATTGATG-3'
Protein context (NP_001018005.1, residues 225-245): IKVLSDKLKE[Ala235Thr]ETRAEFAERS